The following is an entry in ClinVar:

NM_001366385.1(CARD14):c.963+6G>A

Gene: CARD14 (caspase recruitment domain family member 14; plus strand). Cytogenetic location: 17q25.3.
Variant type: single nucleotide variant.
Coding change: c.963+6G>A on transcript NM_001366385.1 (MANE Select); 6 bases into the intron after coding-DNA position 963, G replaced by A.
Molecular consequence: intron variant.
Genome position (GRCh38, 1-based): chr17:80,189,878, G>A. VCF-style: chr17-80189878-G-A. GRCh37 (hg19) VCF-style: chr17-78163677-G-A.
Other names: c.963+6G>A (NM_024110.4, NM_001257970.1); c.252+6G>A (NM_052819.3).
Identifiers: ClinVar variation 574789 (VCV000574789.11), dbSNP rs376630011, ClinGen allele CA8816595.

ClinVar aggregate classification (germline): Uncertain significance (1 of 4 stars; one submission).

Conditions:
Psoriasis 2. Identifiers: MedGen C1864497, MONDO:0011269, OMIM 602723.
Pityriasis rubra pilaris (PRP). Also called: Pityriasis rubra pilaris--familial type. Identifiers: Orphanet 2897, MedGen C0032027, MONDO:0100017, OMIM 173200, MONDO:0008251.

Allele frequency attached by ClinVar (database versions not stated): gnomAD 0.00003; TOPMed 0.00003.
gnomAD v4.1: 42 of 1,593,144 alleles (0.0026%); highest among the groups gnomAD compares: Non-Finnish European, 0.0032%; no homozygotes.

Submission:

Labcorp Genetics (formerly Invitae), Labcorp
Classification: Uncertain significance for Pityriasis rubra pilaris; Psoriasis 2. Last evaluated: 2024-08-31. Review status: criteria provided, single submitter. Criteria: Invitae Variant Classification Sherloc (09022015). Collection method: clinical testing. Allele origin: germline.
Comment: This sequence change falls in intron 6 of the CARD14 gene. It does not directly change the encoded amino acid sequence of the CARD14 protein. It affects a nucleotide within the consensus splice site. This variant is present in population databases (rs376630011, gnomAD 0.003%). This variant has not been reported in the literature in individuals affected with CARD14-related conditions. ClinVar contains an entry for this variant (Variation ID: 574789). Variants that disrupt the consensus splice site are a relatively common cause of aberrant splicing (PMID: 17576681, 9536098). Algorithms developed to predict the effect of sequence changes on RNA splicing suggest that this variant may disrupt the consensus splice site. In summary, the available evidence is currently insufficient to determine the role of this variant in disease. Therefore, it has been classified as a Variant of Uncertain Significance.

Literature cited by the submitters: PubMed 17576681; PubMed 9536098.